The following is an entry in ClinVar:

NM_000186.4(CFH):c.595A>T (p.Ser199Cys)

Gene: CFH (complement factor H; plus strand). Cytogenetic location: 1q31.3.
Variant type: single nucleotide variant.
Coding change: c.595A>T on transcript NM_000186.4 (MANE Select); coding-DNA position 595, A replaced by T.
Protein change: p.Ser199Cys; replaces serine 199 with cysteine.
Molecular consequence: missense variant.
Genome position (GRCh38, 1-based): chr1:196,677,643, A>T. VCF-style: chr1-196677643-A-T. GRCh37 (hg19) VCF-style: chr1-196646773-A-T.
Other names: c.595A>T, p.Ser199Cys (NM_001014975.3); short protein forms S199C.
Identifiers: ClinVar variation 4291306 (VCV004291306.1).

ClinVar aggregate classification (germline): Uncertain significance (1 of 4 stars; one submission).

Conditions:
Atypical hemolytic-uremic syndrome. Identifiers: Orphanet 2134, MedGen C2931788, MONDO:0016244.
Basal laminar drusen. Also called: DRUSEN OF BRUCH MEMBRANE; DRUSEN, CUTICULAR; DRUSEN, EARLY ADULT-ONSET, GROUPED. Identifiers: Orphanet 75376, MedGen C0730295, MONDO:0007472, OMIM 126700.
Factor H deficiency (CFHD). Also called: COMPLEMENT FACTOR H DEFICIENCY; CFH DEFICIENCY. Identifiers: Orphanet 200421, MedGen C0398777, MONDO:0012350, OMIM 609814.
Age related macular degeneration 4. Identifiers: MedGen C1853147, MONDO:0012540, OMIM 610698.

Submission:

Genomenon, Inc
Classification: Uncertain significance for Basal laminar drusen; Age related macular degeneration 4; Atypical hemolytic-uremic syndrome; Factor H deficiency. Last evaluated: 2025-10-02. Review status: criteria provided, single submitter. Criteria: Genomenon Sequence Variant Interpretation Standards - Updated. Collection method: curation. Allele origin: germline. Affected: no.
Comment: CFH p.Ser199Cys (c.595A>T) is a missense variant that changes the amino acid at residue 199 from Serine to Cysteine. This variant has been reported in the published literature (PMID:21936007). It is absent or not present at a significant frequency in gnomAD. In silico models agree that this variant is possibly or probably damaging. In conclusion, we classify CFH p.Ser199Cys (c.595A>T) as a variant of uncertain significance.

Literature cited by the submitters: PubMed 21936007.